The following is an entry in ClinVar:

NM_005138.3(SCO2):c.759T>C (p.Ser253=)

Genes: NCAPH2 (non-SMC condensin II complex subunit H2; plus strand), SCO2 (synthesis of cytochrome C oxidase 2; minus strand). Cytogenetic location: 22q13.33.
Variant type: single nucleotide variant.
Coding change: c.759T>C on transcript NM_005138.3 (MANE Select); coding-DNA position 759, T replaced by C.
Protein change: p.Ser253=; no amino-acid change (serine 253 retained).
Molecular consequence: synonymous variant. On other transcripts: 3 prime UTR variant (2).
Genome position (GRCh38, 1-based): chr22:50,523,653, A>G on the plus strand (T>C on the coding strand, the complement: SCO2 is on the minus strand). VCF-style: chr22-50523653-A-G. GRCh37 (hg19) VCF-style: chr22-50962082-A-G.
Other names: c.*278A>G (NM_001185011.2, NM_152299.4); c.759T>C, p.Ser253= (NM_001169109.2, NM_001169110.1, NM_001169111.2).
Identifiers: ClinVar variation 2043278 (VCV002043278.8), dbSNP rs1289392712, ClinGen allele CA10321114.

ClinVar aggregate classification (germline): Likely benign. Review status: criteria provided, multiple submitters, no conflicts (2 of 4 stars). 2 submissions from 2 submitters: Likely benign (2). Last evaluated 2026-01-01.

Allele frequency attached by ClinVar (database versions not stated): gnomAD 0.00003; ExAC 0.00017; gnomAD exomes 0.00003; TOPMed 0.00005.
gnomAD v4.1: 59 of 1,613,870 alleles (0.0037%); highest among the groups gnomAD compares: East Asian, 0.016%; no homozygotes.

Submissions (2):

CeGaT Center for Human Genetics Tuebingen
Classification: Likely benign. Last evaluated: 2026-01-01. Review status: criteria provided, single submitter. Criteria: CeGaT Center For Human Genetics Tuebingen Variant Classification Criteria Version 2. Collection method: clinical testing. Allele origin: germline. Affected: yes. Observed: 1 variant allele.
Comment: SCO2: BP4, BP7

Labcorp Genetics (formerly Invitae), Labcorp
Classification: Likely benign. Last evaluated: 2025-12-28. Review status: criteria provided, single submitter. Criteria: Invitae Variant Classification Sherloc (09022015). Collection method: clinical testing. Allele origin: germline.